The following is an entry in ClinVar:

ClinVar aggregate classification (germline): Uncertain significance (1 of 4 stars; one submission).

Conditions:
Hereditary cancer-predisposing syndrome. Also called: Tumor predisposition; Hereditary neoplastic syndrome; Hereditary Cancer Syndrome; Neoplastic Syndromes, Hereditary. Identifiers: Orphanet 140162, MedGen C0027672, MeSH D009386, MONDO:0015356.

Submission:

Ambry Genetics
Classification: Uncertain significance for Hereditary cancer-predisposing syndrome. Last evaluated: 2023-11-14. Review status: criteria provided, single submitter. Criteria: Ambry Variant Classification Scheme 2023. Collection method: clinical testing. Allele origin: germline.
Comment: The p.D310E variant (also known as c.930C>G), located in coding exon 10 of the RAD51D gene, results from a C to G substitution at nucleotide position 930. The aspartic acid at codon 310 is replaced by glutamic acid, an amino acid with highly similar properties. This amino acid position is conserved. In addition, this alteration is predicted to be tolerated by in silico analysis. Since supporting evidence is limited at this time, the clinical significance of this alteration remains unclear.

NM_002878.4(RAD51D):c.930C>G (p.Asp310Glu)

Genes: RAD51L3-RFFL (RAD51L3-RFFL readthrough; minus strand), RAD51D (RAD51 paralog D; minus strand). Cytogenetic location: 17q12.
Variant type: single nucleotide variant.
Coding change: c.930C>G on transcript NM_002878.4 (MANE Select); coding-DNA position 930, C replaced by G.
Protein change: p.Asp310Glu; replaces aspartic acid 310 with glutamic acid.
Molecular consequence: missense variant. On other transcripts: non-coding transcript variant (2).
Genome position (GRCh38, 1-based): chr17:35,101,010, G>C on the plus strand (C>G on the coding strand, the complement: RAD51D is on the minus strand). VCF-style: chr17-35101010-G-C. GRCh37 (hg19) VCF-style: chr17-33428029-G-C.
Other names: c.990C>G, p.Asp330Glu (NM_001142571.2); c.594C>G, p.Asp198Glu (NM_133629.3); short protein forms D198E, D310E, D330E.
Identifiers: ClinVar variation 3222894 (VCV003222894.1), dbSNP rs2142409178, ClinGen allele CA399086135.
Genomic context (GRCh38, chr17:35,101,010, plus strand): 5'-AGGTCATGTCTGATCACCCTGTAATGTGGCACTCTGCTCTGAGGTCCCCCAGGTCCCAAT[G>C]TCTACCATCTCCTGGAAACCTGTTGGCTGGAAGAAGAAGTAAGGAGTCAGTGGAGTTAAG-3'
Protein context (NP_002869.3, residues 300-320): RQPTGFQEMV[Asp310Glu]IGTWGTSEQS